The following is an entry in ClinVar:

ClinVar aggregate classification (germline): Conflicting classifications of pathogenicity. Review status: criteria provided, conflicting classifications (1 of 4 stars). 15 submissions from 15 submitters: Uncertain significance (3); Benign (3); Likely benign (8). 1 of the submissions does not count toward it. Last evaluated 2026-09-01.

Conditions:
KIF1A-related disorder. Also called: KIF1A-related disorders; KIF1A-related condition.
Intellectual disability, autosomal dominant 9 (NESCAVS). Also called: NESCAV SYNDROME; KIF1A-Related Neurodevelopmental Disorder. Identifiers: Orphanet 662367, MedGen C5393830, MONDO:0013656, OMIM 614255.
Neuropathy, hereditary sensory, type 2C. Also called: Hereditary sensory and autonomic neuropathy type IIC; KIF1A-Related HSAN2 (HSAN2C). Identifiers: Orphanet 970, MedGen C3280168, MONDO:0013634, OMIM 614213.
Hereditary spastic paraplegia 30. Identifiers: Orphanet 101010, MedGen C5235139, MONDO:0012476.
Hereditary spastic paraplegia. Also called: Familial spastic paraparesis. Identifiers: Orphanet 685, MedGen C0037773, MONDO:0019064. Disease mechanism: loss of function.
History of neurodevelopmental disorder. Identifiers: MedGen C2711754.

Allele frequency attached by ClinVar (database versions not stated): ESP Exome Variant Server 0.00415; gnomAD 0.00442 and 0.00470; TOPMed 0.00452; 1000 Genomes Project 30x 0.00062; 1000 Genomes Project 0.00080; ExAC 0.00244; gnomAD exomes 0.00379 and 0.00754.
gnomAD v4.1: 11,125 of 1,548,294 alleles (0.72%); highest among the groups gnomAD compares: Non-Finnish European, 0.91%; 55 homozygotes.

Submissions (15):

CeGaT Center for Human Genetics Tuebingen
Classification: Likely benign. Last evaluated: 2026-09-01. Review status: criteria provided, single submitter. Criteria: CeGaT Center For Human Genetics Tuebingen Variant Classification Criteria Version 2. Collection method: clinical testing. Allele origin: germline. Affected: yes. Observed: 72 variant alleles.
Comment: KIF1A: BP4, BS2

Labcorp Genetics (formerly Invitae), Labcorp
Classification: Likely benign for Hereditary spastic paraplegia 30; Neuropathy, hereditary sensory, type 2C; Intellectual disability, autosomal dominant 9. Last evaluated: 2026-02-04. Review status: criteria provided, single submitter. Criteria: Invitae Variant Classification Sherloc (09022015). Collection method: clinical testing. Allele origin: germline.

Women's Health and Genetics/Laboratory Corporation of America, LabCorp
Classification: Likely benign. Last evaluated: 2025-12-09. Review status: criteria provided, single submitter. Criteria: LabCorp Variant Classification Summary - May 2015. Collection method: clinical testing. Allele origin: germline.
Comment: Variant summary: KIF1A c.4301C>T (p.Ala1434Val) results in a non-conservative amino acid change in the encoded protein sequence. Algorithms developed to predict the effect of missense changes on protein structure and function are either unavailable or do not agree on the potential impact of this missense change. The variant allele was found at a frequency of 0.0038 in 151034 control chromosomes in the gnomAD database, including 3 homozygotes. The observed variant frequency exceeds the estimated maximal expected allele frequency for disease-causing variants in KIF1A. To our knowledge, no occurrence of c.4301C>T in individuals affected with KIF1A-related conditions and no experimental evidence demonstrating its impact on protein function have been reported. ClinVar contains an entry for this variant (Variation ID: 211288). Based on the evidence outlined above, the variant was classified as likely benign.

ARUP Laboratories, Molecular Genetics and Genomics, ARUP Laboratories
Classification: Benign. Last evaluated: 2025-01-30. Review status: criteria provided, single submitter. Criteria: ARUP Molecular Germline Variant Investigation Process 2024. Collection method: clinical testing. Allele origin: germline.

Blueprint Genetics
Classification: Likely benign. Last evaluated: 2024-11-25. Review status: criteria provided, single submitter. Criteria: ACMG Guidelines, 2015. Collection method: clinical testing. Allele origin: germline.

Mayo Clinic Laboratories, Mayo Clinic
Classification: Benign. Last evaluated: 2024-09-25. Review status: criteria provided, single submitter. Criteria: ACMG Guidelines, 2015. Collection method: clinical testing. Allele origin: germline. Observed: 27 variant alleles.
Comment: BS1, BS2, BP4

Genome Diagnostics Laboratory, The Hospital for Sick Children
Classification: Likely benign for Hereditary spastic paraplegia. Last evaluated: 2021-07-03. Review status: criteria provided, single submitter. Criteria: ACMG Guidelines, 2015. Collection method: clinical testing. Allele origin: germline. Affected: yes.

Genetic Services Laboratory, University of Chicago
Classification: Likely benign. Last evaluated: 2019-10-30. Review status: criteria provided, single submitter. Criteria: ACMG Guidelines, 2015. Collection method: clinical testing. Allele origin: germline. Affected: no.

Athena Diagnostics
Classification: Benign. Last evaluated: 2019-03-19. Review status: criteria provided, single submitter. Criteria: Athena Diagnostics Criteria. Collection method: clinical testing. Allele origin: germline.

Genomic Research Center, Shahid Beheshti University of Medical Sciences
Classification: Uncertain significance for Mental retardation, autosomal dominant 9. Last evaluated: 2018-10-12. Review status: criteria provided, single submitter. Criteria: ACMG Guidelines, 2015. Collection method: clinical testing. Allele origin: germline. Affected: yes.

Illumina Laboratory Services, Illumina
Classification: Uncertain significance for Spastic paraplegia 30A, autosomal dominant. Last evaluated: 2018-01-12. Review status: criteria provided, single submitter. Criteria: ICSL Variant Classification Criteria 13 December 2019. Collection method: clinical testing. Allele origin: germline.

Ambry Genetics
Classification: Likely benign for History of neurodevelopmental disorder. Last evaluated: 2017-12-18. Review status: criteria provided, single submitter. Criteria: Ambry Autosomal Dominant and X-Linked criteria (3/2017). Collection method: clinical testing. Allele origin: germline. Observed: 1 variant allele.
Comment: In silico models in agreement (benign);Other strong data;Other strong data supporting benign classification

GeneDx
Classification: Likely benign. Last evaluated: 2017-10-27. Review status: criteria provided, single submitter. Criteria: GeneDx Variant Classification (06012015). Collection method: clinical testing. Allele origin: germline. Affected: yes.
Comment: This variant is considered likely benign or benign based on one or more of the following criteria: it is a conservative change, it occurs at a poorly conserved position in the protein, it is predicted to be benign by multiple in silico algorithms, and/or has population frequency not consistent with disease.

Center for Pediatric Genomic Medicine, Children's Mercy Hospital and Clinics
Classification: Uncertain significance. Last evaluated: 2017-02-09. Review status: criteria provided, single submitter. Criteria: ACMG Guidelines, 2015. Collection method: clinical testing. Allele origin: germline.
ClinVar note: Converted during submission from Uncertain Significance to Uncertain significance.

PreventionGenetics, part of Exact Sciences
Classification: Benign for KIF1A-related condition. Last evaluated: 2022-11-11. Review status: no assertion criteria provided. Collection method: clinical testing. Allele origin: germline. Not counted in ClinVar's aggregate classification.
Comment: This variant is classified as benign based on ACMG/AMP sequence variant interpretation guidelines (Richards et al. 2015 PMID: 25741868, with internal and published modifications).

NM_001244008.2(KIF1A):c.4604C>T (p.Ala1535Val)

Gene: KIF1A (kinesin family member 1A; minus strand). Cytogenetic location: 2q37.3.
Variant type: single nucleotide variant.
Coding change: c.4604C>T on transcript NM_001244008.2 (MANE Select); coding-DNA position 4604, C replaced by T.
Protein change: p.Ala1535Val; replaces alanine 1535 with valine.
Molecular consequence: missense variant.
Genome position (GRCh38, 1-based): chr2:240,722,517, G>A on the plus strand (C>T on the coding strand, the complement: KIF1A is on the minus strand). VCF-style: chr2-240722517-G-A. GRCh37 (hg19) VCF-style: chr2-241661934-G-A.
Other names: p.Ala1434Val; c.4328C>T, p.Ala1443Val (NM_001320705.2, NM_001379649.1); c.4355C>T, p.Ala1452Val (NM_001330289.2); c.4403C>T, p.Ala1468Val (NM_001330290.2, NM_001379648.1); c.4679C>T, p.Ala1560Val (NM_001379631.1); c.4580C>T, p.Ala1527Val (NM_001379632.1); c.4577C>T, p.Ala1526Val (NM_001379633.1, NM_001379645.1); c.4430C>T, p.Ala1477Val (NM_001379634.1); and 8 more; short protein forms A1434V, A1535V, A1443V, A1452V, A1468V, A1433V, A1442V, A1451V.
Identifiers: ClinVar variation 211288 (VCV000211288.86), dbSNP rs141441058, ClinGen allele CA207477.